The following is an entry in ClinVar:

ClinVar aggregate classification (germline): Pathogenic/Likely pathogenic. Review status: criteria provided, multiple submitters, no conflicts (2 of 4 stars). 4 submissions from 4 submitters: Pathogenic (2); Likely pathogenic (2). Last evaluated 2025-09-27.

Conditions:
Hereditary cancer-predisposing syndrome. Also called: Hereditary Cancer Syndrome; Tumor predisposition; Neoplastic Syndromes, Hereditary; Hereditary neoplastic syndrome. Identifiers: Orphanet 140162, MedGen C0027672, MeSH D009386, MONDO:0015356.
Familial cancer of breast. Also called: Hereditary breast cancer; BREAST CANCER, FAMILIAL; hereditary breast carcinoma. Identifiers: Orphanet 227535, MedGen C0346153, MONDO:0016419, OMIM 114480. Disease mechanism: loss of function.

Allele frequency attached by ClinVar (database versions not stated): gnomAD exomes below 0.00001.
gnomAD v4.1: 1 of 1,614,174 alleles (0.000062%); highest among the groups gnomAD compares: African/African-American, 0.0013%; no homozygotes.

Submissions (4):

Labcorp Genetics (formerly Invitae), Labcorp
Classification: Pathogenic for Familial cancer of breast. Last evaluated: 2025-09-27. Review status: criteria provided, single submitter. Criteria: Invitae Variant Classification Sherloc (09022015). Collection method: clinical testing. Allele origin: germline.
Comment: This sequence change creates a premature translational stop signal (p.Trp756*) in the BARD1 gene. While this is not anticipated to result in nonsense mediated decay, it is expected to disrupt the last 22 amino acid(s) of the BARD1 protein. The frequency data for this variant in the population databases is considered unreliable, as metrics indicate poor data quality at this position in the gnomAD database. This variant has not been reported in the literature in individuals affected with BARD1-related conditions. ClinVar contains an entry for this variant (Variation ID: 863791). This variant disrupts a region of the BARD1 protein in which other variant(s) (p.Val767Aspfs*4) have been determined to be pathogenic (PMID: 17848578, 25452441, 26315354, 30925164). This suggests that this is a clinically significant region of the protein, and that variants that disrupt it are likely to be disease-causing. For these reasons, this variant has been classified as Pathogenic.

Myriad Genetics, Inc.
Classification: Pathogenic for Familial cancer of breast. Last evaluated: 2023-05-25. Review status: criteria provided, single submitter. Criteria: Myriad Autosomal Dominant, Autosomal Recessive and X-Linked Classification Criteria (2023). Collection method: clinical testing. Allele origin: unknown.
Comment: This variant is considered pathogenic. This variant creates a termination codon and is predicted to result in premature protein truncation.

Ambry Genetics
Classification: Likely pathogenic for Hereditary cancer-predisposing syndrome. Last evaluated: 2020-10-23. Review status: criteria provided, single submitter. Criteria: Ambry Variant Classification Scheme 2023. Collection method: clinical testing. Allele origin: germline.
Comment: The p.W756* variant (also known as c.2267G>A), located in coding exon 11 of the BARD1 gene, results from a G to A substitution at nucleotide position 2267. This changes the amino acid from a tryptophan to a stop codon within coding exon 11. Premature stop codons are typically deleterious in nature; however, this stop codon occurs at the 3' terminus of BARD1, is not expected to trigger nonsense-mediated mRNA decay, and removes only the last 22 amino acids of the protein. The exact functional impact of these removed amino acids is unknown at this time; however, structural analysis suggests this alteration results in loss of a large part of a well-ordered C-terminal BRCT domain with destabilization of the structure, which could disrupt protein-protein interactions (Birrane G et al. Biochemistry. 2007 Jul; 46(26):7706-12; Feki A et al. Oncogene. 2005 May; 24(23):3726-36; Edwards RA et al. Biochemistry. 2008 Nov; 47(44):11446-56; Rodriguez M et al. J. Biol. Chem. 2003 Dec; 278(52):52914-8; Ambry internal data). In addition, this alteration impacts the BRCT domain of BARD1, which has been shown to be necessary for homology-directed DNA repair (Laufer M et al. J Biol Chem, 2007 Nov;282:34325-33, Adamovich AI et al. PLoS Genet, 2019 03;15:e1008049). This allele was reported in one heterozygous individual in population-based cohorts in the Genome Aggregation Database (gnomAD). Based on the majority of available evidence to date, this variant is likely to be pathogenic.

Color Diagnostics, LLC DBA Color Health
Classification: Likely pathogenic for Hereditary cancer-predisposing syndrome. Last evaluated: 2020-05-18. Review status: criteria provided, single submitter. Criteria: ACMG Guidelines, 2015. Collection method: clinical testing. Allele origin: germline.
Comment: This variant changes 1 nucleotide in exon 11 of the BARD1 gene, creating a premature translation stop signal. While this variant is not expected to trigger nonsense-mediated decay, this variant is predicted to partially truncate the BRCT domain that facilitates protein-protein interaction involved in BARD1's role in DNA repair and tumor suppression (PMID: 17550235, 17848578, 26738429). This variant is expected to result in an absent or non-functional protein product. To our knowledge, this variant has not been reported in individuals affected with hereditary cancer in the literature. This variant has been identified in 1/251250 chromosomes in the general population by the Genome Aggregation Database (gnomAD). Loss of BARD1 function is a known mechanism of disease. Based on the available evidence, this variant is classified as Likely Pathogenic.

Literature cited by the submitters: PubMed 17848578 (cited by Labcorp Genetics (formerly Invitae), Labcorp and Ambry Genetics); PubMed 25452441 (cited by Labcorp Genetics (formerly Invitae), Labcorp); PubMed 26315354 (cited by Labcorp Genetics (formerly Invitae), Labcorp); PubMed 30925164 (cited by Labcorp Genetics (formerly Invitae), Labcorp and Ambry Genetics); PubMed 14578343 (cited by Ambry Genetics); PubMed 15782130 (cited by Ambry Genetics); PubMed 17550235 (cited by Ambry Genetics); PubMed 18842000 (cited by Ambry Genetics).

NM_000465.4(BARD1):c.2267G>A (p.Trp756Ter)

Gene: BARD1 (BRCA1 associated RING domain 1; minus strand). Cytogenetic location: 2q35.
Variant type: single nucleotide variant.
Coding change: c.2267G>A on transcript NM_000465.4 (MANE Select); coding-DNA position 2267, G replaced by A.
Protein change: p.Trp756Ter; replaces tryptophan 756 with a stop codon.
Molecular consequence: nonsense. On other transcripts: non-coding transcript variant (3).
Genome position (GRCh38, 1-based): chr2:214,728,743, C>T on the plus strand (G>A on the coding strand, the complement: BARD1 is on the minus strand). VCF-style: chr2-214728743-C-T. GRCh37 (hg19) VCF-style: chr2-215593467-C-T.
Other names: c.2210G>A, p.Trp737Ter (NM_001282543.2); c.914G>A, p.Trp305Ter (NM_001282545.2); c.857G>A, p.Trp286Ter (NM_001282548.2); c.728G>A, p.Trp243Ter (NM_001282549.2); c.2267G>A (NM_000465.2); short protein forms W286*, W305*, W737*, W243*, W756*.
Identifiers: ClinVar variation 863791 (VCV000863791.17), dbSNP rs1358155595, ClinGen allele CA350449959.
Genomic context (GRCh38, chr2:214,728,743, plus strand): 5'-TCAAGAGGAAGCAACTCAAAGGACATCACACAGTCTATAAACCAGCTCGAAGGAGCCTTC[C>T]AGACTTTGCCCTGCCGAACCCTCTCTGGGTGATAATTACACAAATCTTCATAGATGATAT-3'